The following is an entry in ClinVar:

ClinVar aggregate classification (germline): Uncertain significance. Review status: criteria provided, multiple submitters, no conflicts (2 of 4 stars). 2 submissions from 2 submitters: Uncertain significance (2). Last evaluated 2024-04-08.

Conditions:
Candidiasis, familial, 9 (CANDF9). Identifiers: Orphanet 1334, MedGen C4225324, MONDO:0014642, OMIM 616445.

Allele frequency attached by ClinVar (database versions not stated): gnomAD 0.00001; TOPMed 0.00001; ExAC 0.00008.

Submissions (2):

Ambry Genetics
Classification: Uncertain significance. Last evaluated: 2024-04-08. Review status: criteria provided, single submitter. Criteria: Ambry Variant Classification Scheme 2023. Collection method: clinical testing. Allele origin: germline.

Labcorp Genetics (formerly Invitae), Labcorp
Classification: Uncertain significance for Candidiasis, familial, 9. Last evaluated: 2022-04-25. Review status: criteria provided, single submitter. Criteria: Invitae Variant Classification Sherloc (09022015). Collection method: clinical testing. Allele origin: germline.
Comment: In summary, the available evidence is currently insufficient to determine the role of this variant in disease. Therefore, it has been classified as a Variant of Uncertain Significance. Algorithms developed to predict the effect of missense changes on protein structure and function are either unavailable or do not agree on the potential impact of this missense change (SIFT: "Tolerated"; PolyPhen-2: "Possibly Damaging"; Align-GVGD: "Class C0"). ClinVar contains an entry for this variant (Variation ID: 966925). This variant has not been reported in the literature in individuals affected with IL17RC-related conditions. This variant is present in population databases (rs768568126, gnomAD 0.008%). This sequence change replaces valine, which is neutral and non-polar, with leucine, which is neutral and non-polar, at codon 721 of the IL17RC protein (p.Val721Leu).

NM_153460.4(IL17RC):c.1948G>C (p.Val650Leu)

Gene: IL17RC (interleukin 17 receptor C; plus strand). Cytogenetic location: 3p25.3.
Variant type: single nucleotide variant.
Coding change: c.1948G>C on transcript NM_153460.4 (MANE Select); coding-DNA position 1948, G replaced by C.
Protein change: p.Val650Leu; replaces valine 650 with leucine.
Molecular consequence: missense variant. On other transcripts: non-coding transcript variant (1).
Genome position (GRCh38, 1-based): chr3:9,933,378, G>C. VCF-style: chr3-9933378-G-C. GRCh37 (hg19) VCF-style: chr3-9975062-G-C.
Other names: c.1909G>C, p.Val637Leu (NM_001203263.2); c.1858G>C, p.Val620Leu (NM_001203264.2); c.1852G>C, p.Val618Leu (NM_001203265.2); c.1870G>C, p.Val624Leu (NM_001367278.1); c.1789G>C, p.Val597Leu (NM_001367279.1); c.1864G>C, p.Val622Leu (NM_001367280.1); c.1903G>C, p.Val635Leu (NM_032732.6); c.2161G>C, p.Val721Leu (NM_153461.4); short protein forms V618L, V622L, V597L, V637L, V650L, V721L, V620L, V624L.
Identifiers: ClinVar variation 966925 (VCV000966925.7), dbSNP rs768568126, ClinGen allele CA2247451.
Genomic context (GRCh38, chr3:9,933,378, plus strand): 5'-GTGGGGGCCTGCTTCGACAGGCTGCTCCACCCGGACGCCGTACCCGCCCTTTTCCGCACC[G>C]TGCCCGTCTTCACACTGCCCTCCCAACTGCCAGACTTCCTGGGGGCCCTGCAGCAGCCTC-3'
Protein context (NP_703190.2, residues 640-660): PDAVPALFRT[Val650Leu]PVFTLPSQLP